The following is an entry in ClinVar:

NM_001386795.1(DTNA):c.449-106A>G

Gene: DTNA (dystrobrevin alpha; plus strand). Cytogenetic location: 18q12.1.
Variant type: single nucleotide variant.
Coding change: c.449-106A>G on transcript NM_001386795.1 (MANE Select); 106 bases into the intron before coding-DNA position 449, A replaced by G.
Molecular consequence: intron variant.
Genome position (GRCh38, 1-based): chr18:34,811,853, A>G. VCF-style: chr18-34811853-A-G. GRCh37 (hg19) VCF-style: chr18-32391817-A-G.
Other names: NC_000018.9:g.32391817A>G; c.449-106A>G (NM_032975.4, NM_001386761.1, NM_001386762.1 and 35 more transcripts).
Identifiers: ClinVar variation 675976 (VCV000675976.2), dbSNP rs7237746, ClinGen allele CA298589898.
Genomic context (GRCh38, chr18:34,811,853, plus strand): 5'-AAACATTATGCCAGGAATATTTCAGCATAAAAATTAGCTTTTATATTATTCTTTCATAAA[A>G]AATGTTTATTTTGCTACTTTTTTGTCATTTGTAGCAGATATATTGAACAAAAACAGTGGA-3'

ClinVar aggregate classification (germline): Likely benign (1 of 4 stars; one submission).

Allele frequency attached by ClinVar (database versions not stated): gnomAD 0.00951 and 0.00876; TOPMed 0.01026; 1000 Genomes Project 30x 0.01109; 1000 Genomes Project 0.00919.
gnomAD v4.1: 2,322 of 1,302,560 alleles (0.18%); highest among the groups gnomAD compares: African/African-American, 3.1%; 33 homozygotes.

Submissions (2):

GeneDx
Classification: Likely benign. Last evaluated: 2018-06-19. Review status: criteria provided, single submitter. Criteria: GeneDx Variant Classification (06012015). Collection method: clinical testing. Allele origin: germline. Affected: yes.
Comment: This variant is considered likely benign or benign based on one or more of the following criteria: it is a conservative change, it occurs at a poorly conserved position in the protein, it is predicted to be benign by multiple in silico algorithms, and/or has population frequency not consistent with disease.

Dr. Peter K. Rogan Lab, Western University
No classification provided (evidence only). Condition: Uterine corpus endometrial carcinoma. Review status: no classification provided. Collection method: in vitro. Allele origin: not applicable. Functional consequence: retained intron. Not counted in ClinVar's aggregate classification.